The following is an entry in ClinVar:

ClinVar aggregate classification (germline): Benign/Likely benign. Review status: criteria provided, multiple submitters, no conflicts (2 of 4 stars). 3 submissions from 3 submitters: Benign (1); Likely benign (2). Last evaluated 2026-04-15.

Conditions:
DICER1-related tumor predisposition. Also called: DICER1 syndrome; DICER1-related pleuropulmonary blastoma cancer predisposition syndrome. Identifiers: Orphanet 284343, MedGen C3839822, MONDO:0100216.
Hereditary cancer-predisposing syndrome. Also called: Neoplastic Syndromes, Hereditary; Tumor predisposition; Hereditary Cancer Syndrome; Hereditary neoplastic syndrome. Identifiers: Orphanet 140162, MedGen C0027672, MeSH D009386, MONDO:0015356.

Submissions (3):

Myriad Genetics, Inc.
Classification: Benign for DICER1-related tumor predisposition. Last evaluated: 2026-04-15. Review status: criteria provided, single submitter. Criteria: Myriad Autosomal Dominant, Autosomal Recessive and X-Linked Classification Criteria (2023). Collection method: clinical testing. Allele origin: unknown.
Comment: This variant is considered benign. This variant is a silent/synonymous amino acid change and it is not expected to impact splicing.

Labcorp Genetics (formerly Invitae), Labcorp
Classification: Likely benign for DICER1-related tumor predisposition. Last evaluated: 2022-12-14. Review status: criteria provided, single submitter. Criteria: Invitae Variant Classification Sherloc (09022015). Collection method: clinical testing. Allele origin: germline.

Ambry Genetics
Classification: Likely benign for Hereditary cancer-predisposing syndrome. Last evaluated: 2019-11-03. Review status: criteria provided, single submitter. Criteria: Ambry Variant Classification Scheme 2023. Collection method: clinical testing. Allele origin: germline.

NM_177438.3(DICER1):c.831A>T (p.Ala277=)

Gene: DICER1 (dicer 1, ribonuclease III; minus strand). Cytogenetic location: 14q32.13.
Variant type: single nucleotide variant.
Coding change: c.831A>T on transcript NM_177438.3 (MANE Select); coding-DNA position 831, A replaced by T.
Protein change: p.Ala277=; no amino-acid change (alanine 277 retained).
Molecular consequence: synonymous variant.
Genome position (GRCh38, 1-based): chr14:95,126,652, T>A on the plus strand (A>T on the coding strand, the complement: DICER1 is on the minus strand). VCF-style: chr14-95126652-T-A. GRCh37 (hg19) VCF-style: chr14-95592989-T-A.
Other names: c.831A>T, p.Ala277= (NM_001195573.1, NM_001271282.3, NM_001291628.2 and 1 more transcripts).
Identifiers: ClinVar variation 1132596 (VCV001132596.13), dbSNP rs1312998911, ClinGen allele CA487633551.